The following is an entry in ClinVar:

ClinVar aggregate classification (germline): Uncertain significance (1 of 4 stars; one submission).

Conditions:
Gastrointestinal stromal tumor. Also called: Gastrointestinal stromal tumor, somatic; Gastrointestinal stroma tumor. Identifiers: Orphanet 44890, MedGen C0238198, MeSH D046152, MONDO:0011719, OMIM 606764, HP:0100723.

Submission:

Labcorp Genetics (formerly Invitae), Labcorp
Classification: Uncertain significance for Gastrointestinal stromal tumor. Last evaluated: 2023-12-14. Review status: criteria provided, single submitter. Criteria: Invitae Variant Classification Sherloc (09022015). Collection method: clinical testing. Allele origin: germline.
Comment: This sequence change replaces isoleucine, which is neutral and non-polar, with leucine, which is neutral and non-polar, at codon 264 of the PDGFRA protein (p.Ile264Leu). This variant is not present in population databases (gnomAD no frequency). This variant has not been reported in the literature in individuals affected with PDGFRA-related conditions. Advanced modeling of protein sequence and biophysical properties (such as structural, functional, and spatial information, amino acid conservation, physicochemical variation, residue mobility, and thermodynamic stability) performed at Invitae indicates that this missense variant is not expected to disrupt PDGFRA protein function with a negative predictive value of 80%. In summary, the available evidence is currently insufficient to determine the role of this variant in disease. Therefore, it has been classified as a Variant of Uncertain Significance.

NM_006206.6(PDGFRA):c.790A>C (p.Ile264Leu)

Gene: PDGFRA (platelet derived growth factor receptor alpha; plus strand). Cytogenetic location: 4q12.
Variant type: single nucleotide variant.
Coding change: c.790A>C on transcript NM_006206.6 (MANE Select); coding-DNA position 790, A replaced by C.
Protein change: p.Ile264Leu; replaces isoleucine 264 with leucine.
Molecular consequence: missense variant.
Genome position (GRCh38, 1-based): chr4:54,267,319, A>C. VCF-style: chr4-54267319-A-C. GRCh37 (hg19) VCF-style: chr4-55133486-A-C.
Other names: c.790A>C, p.Ile264Leu (NM_001347827.2, NM_001347829.2); c.865A>C, p.Ile289Leu (NM_001347828.2); c.829A>C, p.Ile277Leu (NM_001347830.2); short protein forms I264L, I277L, I289L.
Identifiers: ClinVar variation 2757637 (VCV002757637.3), dbSNP rs2475452920, ClinGen allele CA356891115.
Genomic context (GRCh38, chr4:54,267,319, plus strand): 5'-AAAGTCGGTTTTCTTCCCCTTTTGCTGTAGAAAGGCAAAGGCATCACAATGCTGGAAGAA[A>C]TCAAAGTCCCATCCATCAAATTGGTGTACACTTTGACGGTCCCCGAGGCCACGGTGAAAG-3'
Protein context (NP_006197.1, residues 254-274): KGKGITMLEE[Ile264Leu]KVPSIKLVYT